The following is an entry in ClinVar:

ClinVar aggregate classification (germline): Pathogenic/Likely pathogenic. Review status: criteria provided, multiple submitters, no conflicts (2 of 4 stars). 6 submissions from 5 submitters: Pathogenic (5); Likely pathogenic (1). Last evaluated 2026-04-15.

Conditions:
Pigmentary pallidal degeneration (NBIA1). Also called: Pantothenate Kinase-Associated Neurodegeneration; Neuroaxonal dystrophy, late infantile; Hallervorden-Spatz disease; Neurodegeneration with brain iron accumulation 1; HARP SYNDROME; PKAN NEUROAXONAL DYSTROPHY, JUVENILE-ONSET. Identifiers: Orphanet 157850, MedGen C0018523, MONDO:0009319, OMIM 234200.
Hypoprebetalipoproteinemia, acanthocytosis, retinitis pigmentosa, and pallidal degeneration. Identifiers: MedGen C1846582, MONDO:0011798.

Submissions (6):

Laboratorio de Biologia Molecular/Medicina Genomica - IFF/Fiocruz, Instituto Fernandes Figueira, Fundacao Oswaldo Cruz
Classification: Pathogenic for Neurodegeneration with brain iron accumulation 1. Last evaluated: 2026-04-15. Review status: criteria provided, single submitter. Criteria: ACMG Guidelines, 2015. Collection method: clinical testing. Allele origin: paternal, maternal. Affected: yes. Observed: 3 variant alleles.
Comment: Variant: c.240_241del (p.Tyr80Ter) in exon 1 of the PANK2 gene. Zygosity and phenotype: Identified in the heterozygous state in two probands presenting features consistent with Neurodegeneration with Brain Iron Accumulation 1, also known as Hallervorden-Spatz Syndrome. Protein effect: Nonsense variant predicted to undergo NMD in a gene where LoF is a disease mechanism. Population database (gnomAD): Extremely rare. ClinVar: Reported as pathogenic (Accession: VCV000803593.11). Segregation/Phase data: Observed in trans with another likely pathogenic variant both probands; phase confirmed by testing of parents (Accession: VCV000803594.17). The variant demonstrated co-segregation with the phenotype observed in affected family members, according to internal clinical and genetic data. ACMG/AMP criteria applied: PVS1, PM3, PM2_Supporting, PP4, PP1, following ClinGen SVI recommendations.

Dasa
Classification: Pathogenic. Last evaluated: 2026-02-19. Review status: criteria provided, single submitter. Criteria: DASA Assertion Criteria. Collection method: clinical testing. Allele origin: germline.
Comment: NM_001386393.1(PANK2):c.240_241del (p.Tyr80fs) introduces a premature termination codon predicted to result in loss of normal protein function. Loss-of-function is an established mechanism of disease for this gene. This variant has been recurrently observed in individuals with related phenotype (PMID: 11479594; PMID: 20301663). The variant is present at low frequency in population datasets. Based on the available data, this variant is classified as pathogenic.

Labcorp Genetics (formerly Invitae), Labcorp
Classification: Pathogenic for Pigmentary pallidal degeneration. Last evaluated: 2023-08-04. Review status: criteria provided, single submitter. Criteria: Invitae Variant Classification Sherloc (09022015). Collection method: clinical testing. Allele origin: germline.
Comment: This sequence change creates a premature translational stop signal (p.Tyr190*) in the PANK2 gene. It is expected to result in an absent or disrupted protein product. Loss-of-function variants in PANK2 are known to be pathogenic (PMID: 11479594, 12510040). This variant is not present in population databases (gnomAD no frequency). This variant has not been reported in the literature in individuals affected with PANK2-related conditions. ClinVar contains an entry for this variant (Variation ID: 803593). For these reasons, this variant has been classified as Pathogenic.

Laboratorio de Genetica e Diagnostico Molecular, Hospital Israelita Albert Einstein
Classification: Likely pathogenic for Pigmentary pallidal degeneration. Last evaluated: 2021-05-07. Review status: criteria provided, single submitter. Criteria: ACMG Guidelines, 2015. Collection method: clinical testing. Allele origin: germline. Affected: yes.
Comment: ACMG classification criteria: PVS1, PM2

Laboratorio de Genetica e Diagnostico Molecular, Hospital Israelita Albert Einstein
Classification: Pathogenic. Last evaluated: 2020-06-24. Review status: criteria provided, single submitter. Criteria: ACMG Guidelines, 2015. Collection method: clinical testing. Allele origin: germline. Affected: yes.
Comment: ACMG classification criteria: PVS1, PS4, PM2

Mendelics
Classification: Pathogenic for Pigmentary pallidal degeneration. Last evaluated: 2019-05-28. Review status: criteria provided, single submitter. Criteria: Mendelics Assertion Criteria 2017. Collection method: clinical testing. Allele origin: unknown.

Literature cited by the submitters: PubMed 11479594 (cited by Dasa and Labcorp Genetics (formerly Invitae), Labcorp); PubMed 20301663 (cited by Dasa); PubMed 12510040 (cited by Labcorp Genetics (formerly Invitae), Labcorp).

NM_001386393.1(PANK2):c.240_241del (p.Tyr80_Ser81delinsTer)

Genes: PANK2 (pantothenate kinase 2; plus strand), LOC130065345 (ATAC-STARR-seq lymphoblastoid silent region 12635; plus strand). Cytogenetic location: 20p13.
Variant type: Deletion.
Coding change: c.240_241del on transcript NM_001386393.1 (MANE Select); coding-DNA positions 240 to 241, 2 bases deleted (CA; older notation c.240_241delCA).
Protein change: p.Tyr80_Ser81delinsTer.
Molecular consequence: nonsense. On other transcripts: 5 prime UTR variant (1), non-coding transcript variant (1), intron variant (1).
Genome position (GRCh38, 1-based): chr20:3,889,670-3,889,671, CA deleted; deleting any 2 consecutive bases within chr20:3,889,669-3,889,671 gives the same sequence; the c. name uses the placement nearest the transcript's 3' end. VCF-style (leftmost placement, unchanged base first): chr20-3889668-TAC-T. GRCh37 (hg19) VCF-style: chr20-3870315-TAC-T.
Other names: c.-472_-471del (NM_001324191.2); c.570_571del, p.Tyr190_Ser191delinsTer (NM_001324192.1, NM_153638.4); c.-246+766_-246+767del (NM_024960.6); c.569_570del (NM_001324192.1).
Identifiers: ClinVar variation 803593 (VCV000803593.12), dbSNP rs1600477446, ClinGen allele CA915952646.